The following is an entry in ClinVar:

ClinVar aggregate classification (germline): Pathogenic/Likely pathogenic. Review status: criteria provided, multiple submitters, no conflicts (2 of 4 stars). 5 submissions from 5 submitters: Pathogenic (4); Likely pathogenic (1). Last evaluated 2024-01-19.

Conditions:
Early-infantile DEE. Also called: Early infantile epileptic encephalopathy; Ohtahara syndrome; Early infantile epileptic encephalopathy with suppression bursts. Identifiers: Orphanet 1934, MedGen C0393706, MONDO:0800491.
Inborn genetic diseases. Identifiers: MedGen C0950123, MeSH D030342.
Severe myoclonic epilepsy in infancy (DRVT). Also called: Epileptic encephalopathy, early infantile, 6 (Dravet syndrome); SEVERE MYOCLONIC EPILEPSY OF INFANCY; DEVELOPMENTAL AND EPILEPTIC ENCEPHALOPATHY 6A; Severe Myoclonic Epilepsy in Infancy (SMEI); Dravet syndrome. Identifiers: Orphanet 33069, MedGen C0751122, MONDO:0100135, OMIM 607208.

Submissions (5):

Labcorp Genetics (formerly Invitae), Labcorp
Classification: Pathogenic for Early-infantile DEE. Last evaluated: 2024-01-19. Review status: criteria provided, single submitter. Criteria: Invitae Variant Classification Sherloc (09022015). Collection method: clinical testing. Allele origin: germline.
Comment: This sequence change affects an acceptor splice site in intron 6 of the SCN1A gene. It is expected to disrupt RNA splicing. Variants that disrupt the donor or acceptor splice site typically lead to a loss of protein function (PMID: 16199547), and loss-of-function variants in SCN1A are known to be pathogenic (PMID: 17347258, 18930999). This variant is not present in population databases (gnomAD no frequency). Disruption of this splice site has been observed in individual(s) with SCN1A-related disorder (Invitae). ClinVar contains an entry for this variant (Variation ID: 189993). Algorithms developed to predict the effect of sequence changes on RNA splicing suggest that this variant may disrupt the consensus splice site. For these reasons, this variant has been classified as Pathogenic.

GeneDx
Classification: Pathogenic. Last evaluated: 2020-10-20. Review status: criteria provided, single submitter. Criteria: GeneDx Variant Classification Process June 2021. Collection method: clinical testing. Allele origin: germline. Affected: yes.
Comment: Canonical splice site variant in a gene for which loss-of-function is a known mechanism of disease; Not observed in large population cohorts (Lek et al., 2016); This variant is associated with the following publications: (PMID: 18930999, 17347258, 26096185, 29655203)

Institute of Human Genetics, University of Leipzig Medical Center
Classification: Likely pathogenic for Severe myoclonic epilepsy in infancy. Last evaluated: 2018-06-22. Review status: criteria provided, single submitter. Criteria: ACMG Guidelines, 2015. Collection method: clinical testing. Allele origin: germline. Affected: yes. Observed: 1 variant allele.

Ambry Genetics
Classification: Pathogenic for Inborn genetic diseases. Last evaluated: 2016-04-30. Review status: criteria provided, single submitter. Criteria: Ambry Variant Classification Scheme 2023. Collection method: clinical testing. Allele origin: germline.
Comment: The c.965-1G>A intronic pathogenic mutation results from a G to A substitution one nucleotide upstream from coding exon 7 of the SCN1A gene. This mutation was detected in two individuals meeting diagnostic criteria for Dravet syndrome (Xu X, et al. Hum. Mutat. 2015; 36(9):861-72). In addition to the clinical data presented in the literature, since alterations that disrupt the canonical splice acceptor site are typically deleterious in nature, this alteration is interpreted as a disease-causing mutation (ACMG Recommendations for Standards for Interpretation and Reporting of Sequence Variations. Revision 2007. Genet Med. 2008;10:294).

Center for Bioinformatics, Peking University
Classification: Pathogenic for Dravet syndrome. Last evaluated: 2014-12-20. Review status: criteria provided, single submitter. Criteria: Xu et al. (Hum Mutat. 2015). Collection method: research. Allele origin: inherited. Affected: yes. Observed: 2 variant alleles. Study: University Clinical Cooperation “985 Project” PKU-2014-1-1.
Comment: Dravet syndrome (DS) probands were recruited from the outpatient and inpatient child neurology units of Peking University First Hospital from 2005 till present. The study was approved by the Ethics Committee of Peking University First Hospital and the Institutional Review Board at Peking University. Participants or their parents provided written informed consent before enrollment. We collected a total of 267 mutations from 255 families with probands diagnosed with DS in China. All probands fulfilled the clinical diagnostic criteria.

Literature cited by the submitters: PubMed 16199547 (cited by Labcorp Genetics (formerly Invitae), Labcorp); PubMed 17347258 (cited by Labcorp Genetics (formerly Invitae), Labcorp); PubMed 18930999 (cited by Labcorp Genetics (formerly Invitae), Labcorp); PubMed 26096185 (cited by Ambry Genetics).

NM_001165963.4(SCN1A):c.965-1G>A

Gene: SCN1A (sodium voltage-gated channel alpha subunit 1; minus strand). Cytogenetic location: 2q24.3.
Variant type: single nucleotide variant.
Coding change: c.965-1G>A on transcript NM_001165963.4 (MANE Select); the canonical splice acceptor site of the intron before coding-DNA position 965, G replaced by A.
Molecular consequence: splice acceptor variant.
Genome position (GRCh38, 1-based): chr2:166,048,950, C>T on the plus strand (G>A on the coding strand, the complement: SCN1A is on the minus strand). VCF-style: chr2-166048950-C-T. GRCh37 (hg19) VCF-style: chr2-166905460-C-T.
Other names: c.965-1G>A (NM_001353949.2, NM_001353958.2, NM_001353950.2 and 10 more transcripts); c.-1461-1G>A (NM_001353961.2).
Identifiers: ClinVar variation 189993 (VCV000189993.15), dbSNP rs794726824, ClinGen allele CA303503.